The following is an entry in ClinVar:

ClinVar aggregate classification (germline): Uncertain significance. Review status: criteria provided, multiple submitters, no conflicts (2 of 4 stars). 3 submissions from 3 submitters: Uncertain significance (3). Last evaluated 2024-05-07.

Conditions:
Familial adenomatous polyposis 1 (FAP1). Also called: FAMILIAL ADENOMATOUS POLYPOSIS 1, ATTENUATED; POLYPOSIS, ADENOMATOUS INTESTINAL. Identifiers: MedGen C2713442, MONDO:0021056, OMIM 175100. Disease mechanism: loss of function.
Hereditary cancer-predisposing syndrome. Also called: Tumor predisposition; Hereditary Cancer Syndrome; Hereditary neoplastic syndrome; Neoplastic Syndromes, Hereditary. Identifiers: Orphanet 140162, MedGen C0027672, MeSH D009386, MONDO:0015356.

Allele frequency attached by ClinVar (database versions not stated): gnomAD exomes below 0.00001.
gnomAD v4.1: 5 of 1,612,598 alleles (0.00031%); highest among the groups gnomAD compares: South Asian, 0.0011%; no homozygotes.

Submissions (3):

Ambry Genetics
Classification: Uncertain significance for Hereditary cancer-predisposing syndrome. Last evaluated: 2024-05-07. Review status: criteria provided, single submitter. Criteria: Ambry Variant Classification Scheme 2023. Collection method: clinical testing. Allele origin: germline.
Comment: The p.K2193E variant (also known as c.6577A>G), located in coding exon 15 of the APC gene, results from an A to G substitution at nucleotide position 6577. The lysine at codon 2193 is replaced by glutamic acid, an amino acid with similar properties. This amino acid position is highly conserved in available vertebrate species. In addition, in silico predictors for this gene do not accurately predict pathogenicity. Since supporting evidence is limited at this time, the clinical significance of this alteration remains unclear.

Labcorp Genetics (formerly Invitae), Labcorp
Classification: Uncertain significance for Familial adenomatous polyposis 1. Last evaluated: 2024-04-23. Review status: criteria provided, single submitter. Criteria: Invitae Variant Classification Sherloc (09022015). Collection method: clinical testing. Allele origin: germline.
Comment: This sequence change replaces lysine, which is basic and polar, with glutamic acid, which is acidic and polar, at codon 2193 of the APC protein (p.Lys2193Glu). This variant is not present in population databases (gnomAD no frequency). This variant has not been reported in the literature in individuals affected with APC-related conditions. ClinVar contains an entry for this variant (Variation ID: 411506). Advanced modeling of protein sequence and biophysical properties (such as structural, functional, and spatial information, amino acid conservation, physicochemical variation, residue mobility, and thermodynamic stability) performed at Invitae indicates that this missense variant is not expected to disrupt APC protein function with a negative predictive value of 95%. In summary, the available evidence is currently insufficient to determine the role of this variant in disease. Therefore, it has been classified as a Variant of Uncertain Significance.

GeneDx
Classification: Uncertain significance. Last evaluated: 2018-06-28. Review status: criteria provided, single submitter. Criteria: GeneDx Variant Classification (06012015). Collection method: clinical testing. Allele origin: germline. Affected: yes.
Comment: The K2193E variant in the APC gene has not, to our knowledge, been published in the literature as pathogenic or benign. This variant was not observed in large population cohorts (NHLBI Exome Sequencing Project, The 1000 Genomes Consortium 2015, Lek 2016). Since Lysine and Glutamic Acid differ in polarity, charge, size or other properties, this is considered a non-conservative amino acid substitution. This substitution occurs at a position that is conserved across species and in silico analyses are inconsistent regarding the effect this variant may have on protein structure and function. Based on currently available evidence, we consider K2193E to be a variant of uncertain significance.

NM_000038.6(APC):c.6577A>G (p.Lys2193Glu)

Gene: APC (APC regulator of Wnt signaling pathway; plus strand). Cytogenetic location: 5q22.2.
Variant type: single nucleotide variant.
Coding change: c.6577A>G on transcript NM_000038.6 (MANE Select); coding-DNA position 6577, A replaced by G.
Protein change: p.Lys2193Glu; replaces lysine 2193 with glutamic acid.
Molecular consequence: missense variant.
Genome position (GRCh38, 1-based): chr5:112,842,171, A>G. VCF-style: chr5-112842171-A-G. GRCh37 (hg19) VCF-style: chr5-112177868-A-G.
Other names: c.6577A>G, p.Lys2193Glu (NM_001127510.3, NM_001354895.2); c.6523A>G, p.Lys2175Glu (NM_001127511.3); c.6631A>G, p.Lys2211Glu (NM_001354896.2); c.6607A>G, p.Lys2203Glu (NM_001354897.2); c.6502A>G, p.Lys2168Glu (NM_001354898.2); c.6493A>G, p.Lys2165Glu (NM_001354899.2); c.6454A>G, p.Lys2152Glu (NM_001354900.2); c.6400A>G, p.Lys2134Glu (NM_001354901.2); and 5 more; short protein forms K2175E, K2193E, K2067E, K2092E, K2165E, K2203E, K2033E, K2102E.
Identifiers: ClinVar variation 411506 (VCV000411506.16), dbSNP rs1060503343, ClinGen allele CA16035720.